The following is an entry in ClinVar:

NM_000238.4(KCNH2):c.2398+105del

Gene: KCNH2 (potassium voltage-gated channel subfamily H member 2; minus strand). Cytogenetic location: 7q36.1.
Variant type: Deletion.
Coding change: c.2398+105del on transcript NM_000238.4 (MANE Select); 105 bases into the intron after coding-DNA position 2398, one base deleted (C; older notation c.2398+105delC).
Molecular consequence: intron variant. On other transcripts: frameshift variant (6).
Genome position (GRCh38, 1-based): chr7:150,950,063, G deleted on the plus strand (C on the coding strand, the reverse complement: KCNH2 is on the minus strand); the first of 2 consecutive G bases (chr7:150,950,063-150,950,064); deleting either gives the same sequence. VCF-style (leftmost placement, unchanged base first): chr7-150950062-AG-A. GRCh37 (hg19) VCF-style: chr7-150647150-AG-A.
Other names: c.2503delC (NM_172056.2); c.2398+105delC (NM_000238.3); c.2325delC, p.Leu776Cysfs (NM_001406755.1); c.2214delC, p.Leu739Cysfs (NM_001406756.1); c.2202delC, p.Leu735Cysfs (NM_001406757.1); c.2502delC, p.Leu835Cysfs (NM_172056.3); c.1378+105del (NM_172057.3); c.1483del, p.Leu495fs (NM_001204798.2); and 1 more; short protein forms L835fs, L495fs.
Identifiers: ClinVar variation 200237 (VCV000200237.23), dbSNP rs546898924, ClinGen allele CA006594.

ClinVar aggregate classification (germline): Conflicting classifications of pathogenicity. Review status: criteria provided, conflicting classifications (1 of 4 stars). 8 submissions from 7 submitters: Uncertain significance (1); Benign (1); Likely benign (5). 1 of the submissions does not count toward it. Last evaluated 2026-08-01.

Conditions:
KCNH2-related disorder. Also called: KCNH2-related condition; KCNH2-related disorders.
Cardiac arrhythmia. Also called: Cardiac rhythm disease; Arrhythmia. Identifiers: MedGen C0003811, MONDO:0007263, HP:0011675.

Submissions (8):

CeGaT Center for Human Genetics Tuebingen
Classification: Likely benign. Last evaluated: 2026-08-01. Review status: criteria provided, single submitter. Criteria: CeGaT Center For Human Genetics Tuebingen Variant Classification Criteria Version 2. Collection method: clinical testing. Allele origin: germline. Affected: yes. Observed: 2 variant alleles.
Comment: KCNH2: BS1

PreventionGenetics, part of Exact Sciences
Classification: Likely benign for KCNH2-related condition. Last evaluated: 2026-06-22. Review status: criteria provided, single submitter. Criteria: ACMG Guidelines, 2015. Collection method: clinical testing. Allele origin: germline.
Comment: This variant is classified as likely benign based on ACMG/AMP sequence variant interpretation guidelines (Richards et al. 2015 PMID: 25741868, with internal and published modifications).

Blueprint Genetics
Classification: Likely benign. Last evaluated: 2024-11-13. Review status: criteria provided, single submitter. Criteria: ACMG Guidelines, 2015. Collection method: clinical testing. Allele origin: germline.

ARUP Laboratories, Molecular Genetics and Genomics, ARUP Laboratories
Classification: Likely benign. Last evaluated: 2024-01-11. Review status: criteria provided, single submitter. Criteria: ARUP Molecular Germline Variant Investigation Process 2024. Collection method: clinical testing. Allele origin: germline.

GeneDx
Classification: Likely benign. Last evaluated: 2022-12-10. Review status: criteria provided, single submitter. Criteria: GeneDx Variant Classification Process June 2021. Collection method: clinical testing. Allele origin: germline. Affected: yes.
Comment: See Variant Classification Assertion Criteria.

Color Diagnostics, LLC DBA Color Health
Classification: Benign for Arrhythmia. Last evaluated: 2018-10-08. Review status: criteria provided, single submitter. Criteria: ACMG Guidelines, 2015. Collection method: clinical testing. Allele origin: germline.

Laboratory for Molecular Medicine, Mass General Brigham Personalized Medicine
Classification: Uncertain significance. Last evaluated: 2016-03-28. Review status: criteria provided, single submitter. Criteria: LMM Criteria. Collection method: clinical testing. Allele origin: germline.
Comment: Variant identified in a genome or exome case(s) and assessed due to predicted null impact of the variant or pathogenic assertions in the literature or databases. Disclaimer: This variant has not undergone full assessment. The following are preliminary notes: Intronic in 2 transcripts. In other 2 transcripts, causes frameshift, but in the last exon. ExAC: 0.3% (20/7392) African

GeneDx
Classification: Likely benign. Last evaluated: 2015-03-03. Review status: flagged submission. Criteria: GeneDx Variant Classification Process June 2021. Collection method: clinical testing. Allele origin: germline. Affected: yes. Not counted in ClinVar's aggregate classification.
ClinVar note: Reason: This record appears to be redundant with a more recent record from the same submitter.
ClinVar note: Notes: SCV001821187 appears to be redundant with SCV000234034.